The following is an entry in ClinVar:

NM_024580.6(EFL1):c.2268G>T (p.Met756Ile)

Gene: EFL1 (elongation factor like GTPase 1; minus strand). Cytogenetic location: 15q25.2.
Variant type: single nucleotide variant.
Coding change: c.2268G>T on transcript NM_024580.6 (MANE Select); coding-DNA position 2268, G replaced by T.
Protein change: p.Met756Ile; replaces methionine 756 with isoleucine.
Molecular consequence: missense variant. On other transcripts: non-coding transcript variant (1).
Genome position (GRCh38, 1-based): chr15:82,152,186, C>A on the plus strand (G>T on the coding strand, the complement: EFL1 is on the minus strand). VCF-style: chr15-82152186-C-A. GRCh37 (hg19) VCF-style: chr15-82444527-C-A.
Other names: p.Met756Ile; c.2115G>T, p.Met705Ile (NM_001040610.3); c.1479G>T, p.Met493Ile (NM_001322844.2); c.2268G>T, p.Met756Ile (NM_001322845.2); c.2268G>T (NM_024580.5); short protein forms M705I, M756I, M493I.
Identifiers: ClinVar variation 787963 (VCV000787963.17), dbSNP rs115974511, ClinGen allele CA7697773.

ClinVar aggregate classification (germline): Benign/Likely benign. Review status: criteria provided, multiple submitters, no conflicts (2 of 4 stars). 5 submissions from 5 submitters: Benign (3); Likely benign (1). 1 of the submissions does not count toward it. Last evaluated 2026-03-31.

Conditions:
EFL1-related disorder. Also called: EFL1-related condition.

Allele frequency attached by ClinVar (database versions not stated): gnomAD exomes 0.00173; ExAC 0.00202; gnomAD 0.00661 and 0.00709; ESP Exome Variant Server 0.00669; TOPMed 0.00744; 1000 Genomes Project 0.00839; 1000 Genomes Project 30x 0.00953.
gnomAD v4.1: 2,017 of 1,614,132 alleles (0.12%); highest among the groups gnomAD compares: African/African-American, 2.3%; 21 homozygotes.

Submissions (6):

Women's Health and Genetics/Laboratory Corporation of America, LabCorp
Classification: Likely benign. Last evaluated: 2026-03-31. Review status: criteria provided, single submitter. Criteria: LabCorp Variant Classification Summary - May 2015. Collection method: clinical testing. Allele origin: germline.

Labcorp Genetics (formerly Invitae), Labcorp
Classification: Benign. Last evaluated: 2026-02-02. Review status: criteria provided, single submitter. Criteria: Invitae Variant Classification Sherloc (09022015). Collection method: clinical testing. Allele origin: germline.

Mayo Clinic Laboratories, Mayo Clinic
Classification: Benign. Last evaluated: 2023-09-06. Review status: criteria provided, single submitter. Criteria: ACMG Guidelines, 2015. Collection method: clinical testing. Allele origin: germline. Observed: 6 variant alleles.
Comment: BS1, BS2, BP4_strong

Breakthrough Genomics
Classification: Benign. Review status: criteria provided, single submitter. Criteria: ACMG Guidelines, 2015. Collection method: not provided. Allele origin: germline. Inheritance: Autosomal recessive inheritance. Affected: yes.

PreventionGenetics, part of Exact Sciences
Classification: Benign for EFL1-related condition. Last evaluated: 2020-09-21. Review status: no assertion criteria provided. Collection method: clinical testing. Allele origin: germline. Not counted in ClinVar's aggregate classification.
Comment: This variant is classified as benign based on ACMG/AMP sequence variant interpretation guidelines (Richards et al. 2015 PMID: 25741868, with internal and published modifications).

Dr. Peter K. Rogan Lab, Western University
No classification provided (evidence only). Condition: Clear cell carcinoma of kidney. Review status: no classification provided. Collection method: in vitro. Allele origin: not applicable. Functional consequence: retained intron. Not counted in ClinVar's aggregate classification.